The following is an entry in ClinVar:

NM_001690.4(ATP6V1A):c.563C>A (p.Ser188Tyr)

Gene: ATP6V1A (ATPase H+ transporting V1 subunit A; plus strand). Cytogenetic location: 3q13.31.
Variant type: single nucleotide variant.
Coding change: c.563C>A on transcript NM_001690.4 (MANE Select); coding-DNA position 563, C replaced by A.
Protein change: p.Ser188Tyr; replaces serine 188 with tyrosine.
Molecular consequence: missense variant.
Genome position (GRCh38, 1-based): chr3:113,784,832, C>A. VCF-style: chr3-113784832-C-A. GRCh37 (hg19) VCF-style: chr3-113503679-C-A.
Other names: short protein forms S188Y.
Identifiers: ClinVar variation 4777219 (VCV004777219.1).

ClinVar aggregate classification (germline): Uncertain significance (1 of 4 stars; one submission).

gnomAD v4.1: 3 of 1,613,760 alleles (0.00019%); highest among the groups gnomAD compares: Middle Eastern, 0.016%; no homozygotes.

Submission:

Labcorp Genetics (formerly Invitae), Labcorp
Classification: Uncertain significance. Last evaluated: 2025-07-28. Review status: criteria provided, single submitter. Criteria: Invitae Variant Classification Sherloc (09022015). Collection method: clinical testing. Allele origin: germline.
Comment: This sequence change replaces serine, which is neutral and polar, with tyrosine, which is neutral and polar, at codon 188 of the ATP6V1A protein (p.Ser188Tyr). This variant is not present in population databases (gnomAD no frequency). This variant has not been reported in the literature in individuals affected with ATP6V1A-related conditions. An algorithm developed to predict the effect of missense changes on protein structure and function (PolyPhen-2) suggests that this variant is likely to be tolerated. In summary, the available evidence is currently insufficient to determine the role of this variant in disease. Therefore, it has been classified as a Variant of Uncertain Significance.